The following is an entry in ClinVar:

ClinVar aggregate classification (germline): Conflicting classifications of pathogenicity. Review status: criteria provided, conflicting classifications (1 of 4 stars). 3 submissions from 3 submitters: Uncertain significance (2); Likely benign (1). Last evaluated 2025-11-13.

Conditions:
Ullrich congenital muscular dystrophy 2 (UCMD2). Identifiers: Orphanet 75840, MedGen C4225314, MONDO:0014654, OMIM 616470.
Bethlem myopathy 2 (BTHLM2). Identifiers: Orphanet 536516, Orphanet 610, MedGen C4225313, MONDO:0034022, OMIM 616471.

Allele frequency attached by ClinVar (database versions not stated): gnomAD exomes below 0.00001.
gnomAD v4.1: 1 of 1,607,078 alleles (0.000062%); highest among the groups gnomAD compares: African/African-American, 0.0013%; no homozygotes.

Submissions (3):

Women's Health and Genetics/Laboratory Corporation of America, LabCorp
Classification: Uncertain significance. Last evaluated: 2025-11-13. Review status: criteria provided, single submitter. Criteria: LabCorp Variant Classification Summary - May 2015. Collection method: clinical testing. Allele origin: germline.
Comment: Variant summary: COL12A1 c.4537A>G (p.Thr1513Ala) results in a non-conservative amino acid change in the encoded protein sequence. Algorithms developed to predict the effect of missense changes on protein structure and function are either unavailable or do not agree on the potential impact of this missense change. The variant allele was found at a frequency of 4.1e-06 in 242644 control chromosomes. The available data on variant occurrences in the general population are insufficient to allow any conclusion about variant significance. To our knowledge, no occurrence of c.4537A>G in individuals affected with COL12A1-related conditions and no experimental evidence demonstrating its impact on protein function have been reported. ClinVar contains an entry for this variant (Variation ID: 2933426). Based on the evidence outlined above, the variant was classified as uncertain significance.

Mayo Clinic Laboratories, Mayo Clinic
Classification: Uncertain significance. Last evaluated: 2023-10-18. Review status: criteria provided, single submitter. Criteria: ACMG Guidelines, 2015. Collection method: clinical testing. Allele origin: germline. Observed: 2 variant alleles.
Comment: BP4

Labcorp Genetics (formerly Invitae), Labcorp
Classification: Likely benign for Bethlem myopathy 2; Ullrich congenital muscular dystrophy 2. Last evaluated: 2023-05-24. Review status: criteria provided, single submitter. Criteria: Invitae Variant Classification Sherloc (09022015). Collection method: clinical testing. Allele origin: germline.

NM_004370.6(COL12A1):c.4537A>G (p.Thr1513Ala)

Gene: COL12A1 (collagen type XII alpha 1 chain; minus strand). Cytogenetic location: 6q13.
Variant type: single nucleotide variant.
Coding change: c.4537A>G on transcript NM_004370.6 (MANE Select); coding-DNA position 4537, A replaced by G.
Protein change: p.Thr1513Ala; replaces threonine 1513 with alanine.
Molecular consequence: missense variant.
Genome position (GRCh38, 1-based): chr6:75,146,125, T>C on the plus strand (A>G on the coding strand, the complement: COL12A1 is on the minus strand). VCF-style: chr6-75146125-T-C. GRCh37 (hg19) VCF-style: chr6-75855841-T-C.
Other names: p.Thr1513Ala; c.4537A>G, p.Thr1513Ala (NM_001424113.1, NM_001424114.1); c.4264A>G, p.Thr1422Ala (NM_001424115.1); c.1045A>G, p.Thr349Ala (NM_001424116.1, NM_080645.3); short protein forms T349A, T1422A, T1513A.
Identifiers: ClinVar variation 2933426 (VCV002933426.5), dbSNP rs1367514850, ClinGen allele CA364743507.